The following is an entry in ClinVar:

ClinVar aggregate classification (germline): Likely pathogenic (1 of 4 stars; one submission).

Conditions:
Osteogenesis imperfecta type 8 (OI8). Identifiers: MedGen C1970458, MONDO:0012581, OMIM 610915.

Allele frequency attached by ClinVar (database versions not stated): gnomAD exomes below 0.00001; ExAC 0.00001; gnomAD 0.00001.

Submission:

Labcorp Genetics (formerly Invitae), Labcorp
Classification: Likely pathogenic for Osteogenesis imperfecta type 8. Last evaluated: 2023-03-18. Review status: criteria provided, single submitter. Criteria: Invitae Variant Classification Sherloc (09022015). Collection method: clinical testing. Allele origin: germline.
Comment: This sequence change affects an acceptor splice site in intron 4 of the P3H1 gene. It is expected to disrupt RNA splicing. Variants that disrupt the donor or acceptor splice site typically lead to a loss of protein function (PMID: 16199547), and loss-of-function variants in P3H1 are known to be pathogenic (PMID: 17277775, 18566967, 19088120, 22281939). This variant is present in population databases (rs778209371, gnomAD 0.003%). This variant has not been reported in the literature in individuals affected with P3H1-related conditions. ClinVar contains an entry for this variant (Variation ID: 1479322). Algorithms developed to predict the effect of sequence changes on RNA splicing suggest that this variant may disrupt the consensus splice site. In summary, the currently available evidence indicates that the variant is pathogenic, but additional data are needed to prove that conclusively. Therefore, this variant has been classified as Likely Pathogenic.

Literature cited by the submitters: PubMed 16199547; PubMed 17277775; PubMed 18566967; PubMed 19088120; PubMed 22281939.

NM_022356.4(P3H1):c.941-1G>A

Gene: P3H1 (prolyl 3-hydroxylase 1; minus strand). Cytogenetic location: 1p34.2.
Variant type: single nucleotide variant.
Coding change: c.941-1G>A on transcript NM_022356.4 (MANE Select); the canonical splice acceptor site of the intron before coding-DNA position 941, G replaced by A.
Molecular consequence: splice acceptor variant.
Genome position (GRCh38, 1-based): chr1:42,757,923, C>T on the plus strand (G>A on the coding strand, the complement: P3H1 is on the minus strand). VCF-style: chr1-42757923-C-T. GRCh37 (hg19) VCF-style: chr1-43223594-C-T.
Other names: c.941-1G>A (NM_001146289.2, NM_001243246.2).
Identifiers: ClinVar variation 1479322 (VCV001479322.6), dbSNP rs778209371, ClinGen allele CA802014.